The following is an entry in ClinVar:

ClinVar aggregate classification (germline): Uncertain significance. Review status: criteria provided, multiple submitters, no conflicts (2 of 4 stars). 5 submissions from 5 submitters: Uncertain significance (5). Last evaluated 2025-11-22.

Conditions:
Retinal dystrophy. Also called: Inherited retinal dystrophy. Identifiers: Orphanet 71862, MedGen C0854723, MeSH D058499, MONDO:0019118, HP:0000556.

Allele frequency attached by ClinVar (database versions not stated): gnomAD exomes 0.00004; ExAC 0.00007; gnomAD 0.00011 and 0.00013; TOPMed 0.00020; ESP Exome Variant Server 0.00023.
gnomAD v4.1: 82 of 1,613,128 alleles (0.0051%); highest among the groups gnomAD compares: African/African-American, 0.024%; no homozygotes.

Submissions (5):

Labcorp Genetics (formerly Invitae), Labcorp
Classification: Uncertain significance. Last evaluated: 2025-11-22. Review status: criteria provided, single submitter. Criteria: Invitae Variant Classification Sherloc (09022015). Collection method: clinical testing. Allele origin: germline.
Comment: This sequence change replaces threonine, which is neutral and polar, with methionine, which is neutral and non-polar, at codon 761 of the ACO2 protein (p.Thr761Met). This variant is present in population databases (rs142767544, gnomAD 0.04%). This missense change has been observed in individual(s) with ACO2-related conditions (PMID: 34056600). ClinVar contains an entry for this variant (Variation ID: 809377). Invitae Evidence Modeling of protein sequence and biophysical properties (such as structural, functional, and spatial information, amino acid conservation, physicochemical variation, residue mobility, and thermodynamic stability) indicates that this missense variant is not expected to disrupt ACO2 protein function with a negative predictive value of 80%. In summary, the available evidence is currently insufficient to determine the role of this variant in disease. Therefore, it has been classified as a Variant of Uncertain Significance.

GeneDx
Classification: Uncertain significance. Last evaluated: 2025-01-14. Review status: criteria provided, single submitter. Criteria: GeneDx Variant Classification Process June 2021. Collection method: clinical testing. Allele origin: germline.
Comment: Identified with a second variant in ACO2 in an individual with optic atrophy; the phase of these variants was not reported (PMID: 34056600); In silico analysis indicates that this missense variant does not alter protein structure/function; This variant is associated with the following publications: (PMID: 34354088, 34056600)

Institute of Human Genetics, Univ. Regensburg, Univ. Regensburg
Classification: Uncertain significance for Retinal dystrophy. Last evaluated: 2023-01-01. Review status: criteria provided, single submitter. Criteria: ACMG Guidelines, 2015. Collection method: clinical testing. Allele origin: germline. Affected: yes.

Blueprint Genetics
Classification: Uncertain significance. Last evaluated: 2022-03-01. Review status: criteria provided, single submitter. Criteria: ACMG Guidelines, 2015. Collection method: clinical testing. Allele origin: germline.

CeGaT Center for Human Genetics Tuebingen
Classification: Uncertain significance. Last evaluated: 2018-04-01. Review status: criteria provided, single submitter. Criteria: CeGaT Center For Human Genetics Tuebingen Variant Classification Criteria Version 2. Collection method: clinical testing. Allele origin: germline. Affected: yes. Observed: 1 variant allele.

Literature cited by the submitters: PubMed 34056600 (cited by Labcorp Genetics (formerly Invitae), Labcorp and Institute of Human Genetics, Univ. Regensburg, Univ. Regensburg).

NM_001098.3(ACO2):c.2282C>T (p.Thr761Met)

Genes: ACO2 (aconitase 2; plus strand), POLR3H (RNA polymerase III subunit H; minus strand). Cytogenetic location: 22q13.2.
Variant type: single nucleotide variant.
Coding change: c.2282C>T on transcript NM_001098.3 (MANE Select); coding-DNA position 2282, C replaced by T.
Protein change: p.Thr761Met; replaces threonine 761 with methionine.
Molecular consequence: missense variant. On other transcripts: 3 prime UTR variant (5).
Genome position (GRCh38, 1-based): chr22:41,528,552, C>T. VCF-style: chr22-41528552-C-T. GRCh37 (hg19) VCF-style: chr22-41924556-C-T.
Other names: c.*731G>A (NM_001018050.4, NM_001018052.4, NM_001282884.2 and 2 more transcripts); c.2282C>T (NM_001098.2); short protein forms T761M.
Identifiers: ClinVar variation 809377 (VCV000809377.51), dbSNP rs142767544, ClinGen allele CA10257959.